The following is an entry in ClinVar:

NM_177433.3(MAGED2):c.882C>T (p.Asp294=)

Gene: MAGED2 (MAGE family member D2; plus strand). Cytogenetic location: Xp11.21.
Variant type: single nucleotide variant.
Coding change: c.882C>T on transcript NM_177433.3 (MANE Select); coding-DNA position 882, C replaced by T.
Protein change: p.Asp294=; no amino-acid change (aspartic acid 294 retained).
Molecular consequence: synonymous variant.
Genome position (GRCh38, 1-based): chrX:54,811,285, C>T. VCF-style: chrX-54811285-C-T. GRCh37 (hg19) VCF-style: chrX-54837718-C-T.
Other names: c.882C>T, p.Asp294= (NM_014599.6, NM_201222.3).
Identifiers: ClinVar variation 2808174 (VCV002808174.3), dbSNP rs2519305064, ClinGen allele CA516580637.
Genomic context (GRCh38, chrX:54,811,285, plus strand): 5'-TTTCCATCTTTTTCTACTCTGCCAGGCAAATGATTTGGTGAAGTACCTTTTGGCTAAAGA[C>T]CAGACGAAGATTCCCATCAAGCGCTCGGGTAAAGTCCTACCAATCCTCCCTCTGCCCTGA-3'
Protein context (NP_803182.1, residues 284-304): NDLVKYLLAK[Asp294=]QTKIPIKRSD

ClinVar aggregate classification (germline): Uncertain significance (1 of 4 stars; one submission).

Submission:

Labcorp Genetics (formerly Invitae), Labcorp
Classification: Uncertain significance. Last evaluated: 2022-11-23. Review status: criteria provided, single submitter. Criteria: Invitae Variant Classification Sherloc (09022015). Collection method: clinical testing. Allele origin: germline.
Comment: In summary, the available evidence is currently insufficient to determine the role of this variant in disease. Therefore, it has been classified as a Variant of Uncertain Significance. Experimental studies and prediction algorithms are not available or were not evaluated, and the effect of this variant on mRNA splicing is currently unknown. This variant has not been reported in the literature in individuals affected with MAGED2-related conditions. This variant is not present in population databases (gnomAD no frequency). This sequence change affects codon 294 of the MAGED2 mRNA. It is a 'silent' change, meaning that it does not change the encoded amino acid sequence of the MAGED2 protein.